The following is an entry in ClinVar:

ClinVar aggregate classification (germline): Pathogenic. Review status: criteria provided, multiple submitters, no conflicts (2 of 4 stars). 3 submissions from 3 submitters: Pathogenic (2). 1 of the submissions does not count toward it. Last evaluated 2021-12-21.

Conditions:
Mild intellectual disability. Identifiers: MedGen C0026106, HP:0001256.
Ververi-Brady syndrome. Identifiers: MedGen C4693824, MONDO:0979877, MONDO:0060707.

Submissions (3):

Institute of Human Genetics, University of Leipzig Medical Center
Classification: Pathogenic for Ververi-Brady syndrome 1. Last evaluated: 2021-12-21. Review status: criteria provided, single submitter. Criteria: ACMG Guidelines, 2015. Collection method: research. Allele origin: de novo. Affected: yes.

Institute of Human Genetics, FAU Erlangen, Friedrich-Alexander-Universität Erlangen-Nürnberg
Classification: Pathogenic for Mild intellectual disability. Last evaluated: 2020-06-04. Review status: criteria provided, single submitter. Criteria: ACMG Guidelines, 2015. Collection method: research. Allele origin: maternal. Inheritance: Autosomal dominant inheritance. Affected: yes. Observed: 1 heterozygote.
Comment: This variant introduces a premature stop codon in exon 7 of 10 of the QRICH1 gene and classified as pathogenic. Minor facial aspects included a long face, relative large ears, wide palpebral fissures, periorbital fullness, a long philtrum, a high palate and thin lips.

OMIM
Classification: Pathogenic for VERVERI-BRADY SYNDROME 1. Last evaluated: 2025-08-29. Review status: no assertion criteria provided. Collection method: literature only. Allele origin: germline. Not counted in ClinVar's aggregate classification.

Literature cited by the submitters: PubMed 34859529 (cited by Institute of Human Genetics, University of Leipzig Medical Center); PubMed 33009816 (cited by OMIM).

NM_198880.3(QRICH1):c.1812_1813del (p.Glu605fs)

Gene: QRICH1 (glutamine rich 1; minus strand). Cytogenetic location: 3p21.31.
Variant type: Deletion.
Coding change: c.1812_1813del on transcript NM_198880.3 (MANE Select); coding-DNA positions 1812 to 1813, 2 bases deleted (TG; older notation c.1812_1813delTG).
Protein change: p.Glu605fs; shifts the reading frame from glutamic acid 605.
Molecular consequence: frameshift variant.
Genome position (GRCh38, 1-based): chr3:49,033,202-49,033,203, CA deleted on the plus strand (TG on the coding strand, the reverse complement: QRICH1 is on the minus strand). VCF-style (leftmost placement, unchanged base first): chr3-49033201-TCA-T. GRCh37 (hg19) VCF-style: chr3-49070634-TCA-T.
Other names: c.1812_1813delTG (NM_198880.3); c.1812_1813del, p.Glu605fs (NM_001320580.2, NM_001320581.2, NM_001320582.2 and 4 more transcripts); short protein forms E605fs.
Identifiers: ClinVar variation 929866 (VCV000929866.5), dbSNP rs2093252843, ClinGen allele CA1139658061.
Genomic context (GRCh38, chr3:49,033,201, plus strand): 5'-GTGGTCAGCAAGGTGGAGGGGGAGTGAGCCCCAAGCTGCTTGCACTCCCATAGCATCTCC[TCA>T]GTCACGTGGCTGGGCAAGACATAGCCTAGGAGGAATAGAGTACTGTCACAACAAGAGGAT-3'